The following is an entry in ClinVar:

NM_000330.4(RS1):c.69_72del (p.Ser24fs)

Gene: RS1 (retinoschisin 1; minus strand). Cytogenetic location: Xp22.13.
Variant type: Deletion.
Coding change: c.69_72del on transcript NM_000330.4 (MANE Select); coding-DNA positions 69 to 72, 4 bases deleted (GTCT; older notation c.69_72delGTCT).
Protein change: p.Ser24fs; shifts the reading frame from serine 24.
Molecular consequence: frameshift variant.
Genome position (GRCh38, 1-based): chrX:18,657,646-18,657,649, AGAC deleted on the plus strand (GTCT on the coding strand, the reverse complement: RS1 is on the minus strand). VCF-style (leftmost placement, unchanged base first): chrX-18657645-TAGAC-T. GRCh37 (hg19) VCF-style: chrX-18675765-TAGAC-T.
Other names: short protein forms S24fs.
Identifiers: ClinVar variation 2112217 (VCV002112217.4), dbSNP rs2518938579, ClinGen allele CA2580100420.

ClinVar aggregate classification (germline): Pathogenic (1 of 4 stars; one submission).

Submission:

Labcorp Genetics (formerly Invitae), Labcorp
Classification: Pathogenic. Last evaluated: 2022-03-14. Review status: criteria provided, single submitter. Criteria: Invitae Variant Classification Sherloc (09022015). Collection method: clinical testing. Allele origin: germline.
Comment: For these reasons, this variant has been classified as Pathogenic. Algorithms developed to predict the effect of sequence changes on RNA splicing suggest that this variant may disrupt the consensus splice site. This variant has not been reported in the literature in individuals affected with RS1-related conditions. This variant is not present in population databases (gnomAD no frequency). This sequence change creates a premature translational stop signal (p.Ser24Profs*101) in the RS1 gene. It is expected to result in an absent or disrupted protein product. Loss-of-function variants in RS1 are known to be pathogenic (PMID: 9618178, 17172462).

Literature cited by the submitters: PubMed 9618178; PubMed 17172462.